The following is an entry in ClinVar:

ClinVar aggregate classification (germline): Uncertain significance. Review status: criteria provided, multiple submitters, no conflicts (2 of 4 stars). 3 submissions from 3 submitters: Uncertain significance (3). Last evaluated 2025-08-25.

Conditions:
Inborn genetic diseases. Identifiers: MedGen C0950123, MeSH D030342.

Allele frequency attached by ClinVar (database versions not stated): ExAC 0.00002; gnomAD 0.00003; gnomAD exomes 0.00003 and 0.00006; TOPMed 0.00004.
gnomAD v4.1: 97 of 1,613,286 alleles (0.006%); highest among the groups gnomAD compares: Non-Finnish European, 0.0081%; no homozygotes.

Submissions (3):

Ambry Genetics
Classification: Uncertain significance for Inborn genetic diseases. Last evaluated: 2025-08-25. Review status: criteria provided, single submitter. Criteria: Ambry Variant Classification Scheme 2023. Collection method: clinical testing. Allele origin: germline.

Labcorp Genetics (formerly Invitae), Labcorp
Classification: Uncertain significance. Last evaluated: 2023-07-22. Review status: criteria provided, single submitter. Criteria: Invitae Variant Classification Sherloc (09022015). Collection method: clinical testing. Allele origin: germline.
Comment: This sequence change replaces serine, which is neutral and polar, with phenylalanine, which is neutral and non-polar, at codon 905 of the CACNA2D4 protein (p.Ser905Phe). This variant is present in population databases (rs372942250, gnomAD 0.006%). This variant has not been reported in the literature in individuals affected with CACNA2D4-related conditions. ClinVar contains an entry for this variant (Variation ID: 307842). An algorithm developed to predict the effect of missense changes on protein structure and function (PolyPhen-2) suggests that this variant is likely to be tolerated. In summary, the available evidence is currently insufficient to determine the role of this variant in disease. Therefore, it has been classified as a Variant of Uncertain Significance.

Blueprint Genetics
Classification: Uncertain significance. Last evaluated: 2021-06-17. Review status: criteria provided, single submitter. Criteria: ACMG Guidelines, 2015. Collection method: clinical testing. Allele origin: germline.

NM_172364.5(CACNA2D4):c.2714C>T (p.Ser905Phe)

Gene: CACNA2D4 (calcium voltage-gated channel auxiliary subunit alpha2delta 4; minus strand). Cytogenetic location: 12p13.33.
Variant type: single nucleotide variant.
Coding change: c.2714C>T on transcript NM_172364.5 (MANE Select); coding-DNA position 2714, C replaced by T.
Protein change: p.Ser905Phe; replaces serine 905 with phenylalanine.
Molecular consequence: missense variant.
Genome position (GRCh38, 1-based): chr12:1,810,285, G>A on the plus strand (C>T on the coding strand, the complement: CACNA2D4 is on the minus strand). VCF-style: chr12-1810285-G-A. GRCh37 (hg19) VCF-style: chr12-1919451-G-A.
Other names: short protein forms S905F.
Identifiers: ClinVar variation 307842 (VCV000307842.16), dbSNP rs372942250, ClinGen allele CA6386247.